The following is an entry in ClinVar:

NM_005534.4(IFNGR2):c.65C>T (p.Ala22Val)

Genes: IFNGR2 (interferon gamma receptor 2; plus strand), LOC119266102 (IFNGR2 promoter region; plus strand). Cytogenetic location: 21q22.11.
Variant type: single nucleotide variant.
Coding change: c.65C>T on transcript NM_005534.4 (MANE Select); coding-DNA position 65, C replaced by T.
Protein change: p.Ala22Val; replaces alanine 22 with valine.
Molecular consequence: missense variant.
Genome position (GRCh38, 1-based): chr21:33,403,608, C>T. VCF-style: chr21-33403608-C-T. GRCh37 (hg19) VCF-style: chr21-34775914-C-T.
Other names: c.65C>T, p.Ala22Val (NM_001329128.2); short protein forms A22V.
Identifiers: ClinVar variation 474969 (VCV000474969.10), dbSNP rs1555878402, ClinGen allele CA410113975.

ClinVar aggregate classification (germline): Uncertain significance (1 of 4 stars; one submission).

Conditions:
Immunodeficiency 28 (IMD28). Also called: IFNGR2 DEFICIENCY. Identifiers: Orphanet 319547, Orphanet 319574, MedGen C4013947, MONDO:0013953, OMIM 614889.

gnomAD v4.1: 2 of 1,366,770 alleles (0.00015%); highest among the groups gnomAD compares: East Asian, 0.0032%; no homozygotes.

Submission:

Labcorp Genetics (formerly Invitae), Labcorp
Classification: Uncertain significance for Immunodeficiency 28. Last evaluated: 2020-01-22. Review status: criteria provided, single submitter. Criteria: Invitae Variant Classification Sherloc (09022015). Collection method: clinical testing. Allele origin: germline.
Comment: In summary, the available evidence is currently insufficient to determine the role of this variant in disease. Therefore, it has been classified as a Variant of Uncertain Significance. Algorithms developed to predict the effect of missense changes on protein structure and function do not agree on the potential impact of this missense change (SIFT: "Tolerated"; PolyPhen-2: "Unknown"; Align-GVGD: "Class C0"). This variant has not been reported in the literature in individuals with IFNGR2-related disease. While this variant is not present in population databases, the frequency information is unreliable, as metrics indicate poor data quality at this position in the ExAC database. This sequence change replaces alanine with valine at codon 22 of the IFNGR2 protein (p.Ala22Val). The alanine residue is weakly conserved and there is a small physicochemical difference between alanine and valine.